The following is an entry in ClinVar:

NM_000059.4(BRCA2):c.3628G>A (p.Asp1210Asn)

Gene: BRCA2 (BRCA2 DNA repair associated; plus strand). Cytogenetic location: 13q13.1.
Variant type: single nucleotide variant.
Coding change: c.3628G>A on transcript NM_000059.4 (MANE Select); coding-DNA position 3628, G replaced by A.
Protein change: p.Asp1210Asn; replaces aspartic acid 1210 with asparagine.
Molecular consequence: missense variant.
Genome position (GRCh38, 1-based): chr13:32,337,983, G>A. VCF-style: chr13-32337983-G-A. GRCh37 (hg19) VCF-style: chr13-32912120-G-A.
Other names: short protein forms D1210N.
Identifiers: ClinVar variation 233568 (VCV000233568.22), dbSNP rs774392592, ClinGen allele CA6940710.

ClinVar aggregate classification (germline): Conflicting classifications of pathogenicity. Review status: criteria provided, conflicting classifications (1 of 4 stars). 10 submissions from 10 submitters: Uncertain significance (7); Likely benign (3). Last evaluated 2025-10-29.

Conditions:
Familial cancer of breast. Also called: hereditary breast carcinoma; BREAST CANCER, FAMILIAL; Hereditary breast cancer. Identifiers: Orphanet 227535, MedGen C0346153, MONDO:0016419, OMIM 114480. Disease mechanism: loss of function.
Breast-ovarian cancer, familial, susceptibility to, 2 (BROVCA2). Also called: BRCA2 Hereditary Breast and Ovarian Cancer. Identifiers: Orphanet 145, MedGen C2675520, MONDO:0012933, OMIM 612555. Disease mechanism: loss of function.
Wilms tumor 1 (WT1). Also called: Wilms tumor, somatic. Identifiers: Orphanet 654, MedGen CN033288, MONDO:0008679, OMIM 194070.
Pancreatic cancer, susceptibility to, 2. Identifiers: Orphanet 1333, MedGen C3150546, MONDO:0013235, OMIM 613347.
Glioma susceptibility 3 (GLM3). Also called: Glioblastoma 3. Identifiers: Orphanet 182067, Orphanet 360, MedGen C2751641, MONDO:0013093, OMIM 613029.
Familial prostate cancer. Also called: Hereditary Prostate Cancer. Identifiers: MedGen C2931456, MONDO:0700275, OMIM 176807.
Fanconi anemia complementation group D1. Also called: BRCA2-Related Fanconi Anemia. Identifiers: Orphanet 319462, MedGen C1838457, MONDO:0011584, OMIM 605724.
Medulloblastoma (MDB). Also called: Medulloblastoma, somatic; MEDULLOBLASTOMA PREDISPOSITION SYNDROME. Identifiers: Orphanet 616, MedGen C0025149, MeSH D008527, MONDO:0007959, OMIM 155255, HP:0002885.
Inherited ovarian cancer (without breast cancer).
BRCA2-related cancer predisposition. Identifiers: MedGen CN377758, MONDO:0700269.
Hereditary cancer-predisposing syndrome. Also called: Neoplastic Syndromes, Hereditary; Tumor predisposition; Hereditary neoplastic syndrome; Hereditary Cancer Syndrome. Identifiers: Orphanet 140162, MedGen C0027672, MeSH D009386, MONDO:0015356.
Hereditary breast ovarian cancer syndrome. Also called: Hereditary breast and ovarian cancer syndrome; Hereditary breast and ovarian cancer syndrome (HBOC); Breast and ovarian cancer; BRCA1- and BRCA2-Associated Hereditary Breast and Ovarian Cancer; Hereditary breast and/or ovarian cancer syndrome; Hereditary breast and ovarian cancer. Identifiers: Orphanet 145, MedGen C0677776, MeSH D061325, MONDO:0003582. Disease mechanism: loss of function.

Allele frequency attached by ClinVar (database versions not stated): gnomAD exomes below 0.00001 and 0.00001; ExAC 0.00002.
gnomAD v4.1: 5 of 1,613,568 alleles (0.00031%); highest among the groups gnomAD compares: South Asian, 0.0044%; no homozygotes.

Submissions (10):

Women's Health and Genetics/Laboratory Corporation of America, LabCorp
Classification: Uncertain significance. Last evaluated: 2025-10-29. Review status: criteria provided, single submitter. Criteria: LabCorp Variant Classification Summary - May 2015. Collection method: clinical testing. Allele origin: germline.
Comment: Variant summary: BRCA2 c.3628G>A (p.Asp1210Asn) results in a conservative amino acid change in the encoded protein sequence. Algorithms developed to predict the effect of missense changes on protein structure and function all suggest that this variant is likely to be tolerated. The variant allele was found at a frequency of 8e-06 in 250824 control chromosomes (gnomAD). The available data on variant occurrences in the general population are insufficient to allow any conclusion about variant significance. c.3628G>A has been observed in an individual(s) affected with breast cancer or ovarian cancer without strong evidence of causality (e.g., Konstantopoulou_2014). This report does not provide unequivocal conclusions about association of the variant with Hereditary Breast And Ovarian Cancer Syndrome. To our knowledge, no experimental evidence demonstrating an impact on protein function has been reported. The following publication has been ascertained in the context of this evaluation (PMID: 24010542). ClinVar contains an entry for this variant (Variation ID: 233568). Based on the evidence outlined above, the variant was classified as uncertain significance.

Labcorp Genetics (formerly Invitae), Labcorp
Classification: Uncertain significance for Hereditary breast ovarian cancer syndrome. Last evaluated: 2025-08-11. Review status: criteria provided, single submitter. Criteria: Invitae Variant Classification Sherloc (09022015). Collection method: clinical testing. Allele origin: germline.
Comment: This sequence change replaces aspartic acid, which is acidic and polar, with asparagine, which is neutral and polar, at codon 1210 of the BRCA2 protein (p.Asp1210Asn). This variant is present in population databases (rs774392592, gnomAD 0.003%). This missense change has been observed in individual(s) with breast and/or ovarian cancer (PMID: 24010542). ClinVar contains an entry for this variant (Variation ID: 233568). Invitae Evidence Modeling of protein sequence and biophysical properties (such as structural, functional, and spatial information, amino acid conservation, physicochemical variation, residue mobility, and thermodynamic stability) indicates that this missense variant is not expected to disrupt BRCA2 protein function with a negative predictive value of 95%. In summary, the available evidence is currently insufficient to determine the role of this variant in disease. Therefore, it has been classified as a Variant of Uncertain Significance.

Color Diagnostics, LLC DBA Color Health
Classification: Uncertain significance for Hereditary cancer-predisposing syndrome. Last evaluated: 2025-07-02. Review status: criteria provided, single submitter. Criteria: ACMG Guidelines, 2015. Collection method: clinical testing. Allele origin: germline.
Comment: This missense variant replaces aspartic acid with asparagine at codon 1210 of the BRCA2 protein. Computational prediction suggests that this variant may not impact protein structure and function. To our knowledge, functional studies have not been reported for this variant. This variant has been detected in at least one suspected hereditary breast and ovarian cancer family (PMID: 24010542). A multifactorial analysis has reported a likelihood ratio for pathogenicity based on personal and family history of 1.33 from log(LR)=0.1239 for one carrier (PMID: 31853058). This variant has been identified in 2/250824 chromosomes in the general population by the Genome Aggregation Database (gnomAD). The available evidence is insufficient to determine the role of this variant in disease conclusively. Therefore, this variant is classified as a Variant of Uncertain Significance.

Center for Genomic Medicine, Rigshospitalet, Copenhagen University Hospital
Classification: Uncertain significance. Last evaluated: 2025-03-04. Review status: criteria provided, single submitter. Criteria: ACMG Guidelines, 2015. Collection method: clinical testing. Allele origin: germline.

Genomics and Molecular Medicine Service, East Genomic Laboratory Hub, NHS Genomic Medicine Service
Classification: Likely benign for Inherited ovarian cancer (without breast cancer). Last evaluated: 2024-08-12. Review status: criteria provided, single submitter. Criteria: ACGS Best Practice Guidelines for Variant Classification in Rare Disease 2020. Collection method: clinical testing. Allele origin: germline. Affected: yes.
Comment: BP1,BP4

Ambry Genetics
Classification: Likely benign for Hereditary cancer-predisposing syndrome. Last evaluated: 2024-08-02. Review status: criteria provided, single submitter. Criteria: Ambry Variant Classification Scheme 2023. Collection method: clinical testing. Allele origin: germline.

Fulgent Genetics
Classification: Uncertain significance for Familial cancer of breast; Medulloblastoma; Familial prostate cancer; Wilms tumor 1; Fanconi anemia complementation group D1; Breast-ovarian cancer, familial, susceptibility to, 2; Glioma susceptibility 3; Pancreatic cancer, susceptibility to, 2. Last evaluated: 2024-06-13. Review status: criteria provided, single submitter. Criteria: ACMG Guidelines, 2015. Collection method: clinical testing. Allele origin: germline.

GeneDx
Classification: Uncertain significance. Last evaluated: 2024-04-23. Review status: criteria provided, single submitter. Criteria: GeneDx Variant Classification Process June 2021. Collection method: clinical testing. Allele origin: germline. Affected: yes.
Comment: In silico analysis indicates that this missense variant does not alter protein structure/function; Observed in individuals with a personal and/or family history of breast and/or ovarian cancer (PMID: 24010542); Not observed at significant frequency in large population cohorts (gnomAD); Also known as 3856G>A; This variant is associated with the following publications: (PMID: 24010542, 36243179)

All of Us Research Program, National Institutes of Health
Classification: Uncertain significance for BRCA2-related cancer predisposition. Last evaluated: 2024-03-05. Review status: criteria provided, single submitter. Criteria: ACMG Guidelines, 2015. Collection method: clinical testing. Allele origin: germline. Inheritance: Autosomal dominant inheritance. Observed: 1 variant allele, 1 heterozygote.
Comment: This study involves interpretation of variants in research participants for the purpose of population health screening. Participant phenotype was not available at the time of variant classification. Additional details can be found in publication PMID: 35346344, PMCID: PMC8962531

University of Washington Department of Laboratory Medicine, University of Washington
Classification: Likely benign for Hereditary cancer-predisposing syndrome. Last evaluated: 2023-03-23. Review status: criteria provided, single submitter. Criteria: Dines et al. (Genet Med. 2020). Collection method: curation. Allele origin: germline.
Comment: Missense variant in a coldspot region where missense variants are very unlikely to be pathogenic (PMID:31911673).

BRCA2 exon 11 coldspot. Reclassification based on statistical prior probability.

Literature cited by the submitters: PubMed 24010542 (cited by 3 submitters); PubMed 31853058 (cited by Color Diagnostics, LLC DBA Color Health).